The following is an entry in ClinVar:

NM_000187.4(HGD):c.378del (p.Lys126fs)

Gene: HGD (homogentisate 1,2-dioxygenase; minus strand). Cytogenetic location: 3q13.33.
Variant type: Deletion.
Coding change: c.378del on transcript NM_000187.4 (MANE Select); coding-DNA position 378, one base deleted (G; older notation c.378delG).
Protein change: p.Lys126fs; shifts the reading frame from lysine 126.
Molecular consequence: frameshift variant.
Genome position (GRCh38, 1-based): chr3:120,650,830, C deleted on the plus strand (G on the coding strand, the reverse complement: HGD is on the minus strand). VCF-style (leftmost placement, unchanged base first): chr3-120650829-AC-A. GRCh37 (hg19) VCF-style: chr3-120369676-AC-A.
Other names: short protein forms K126fs.
Identifiers: ClinVar variation 2088945 (VCV002088945.4), dbSNP rs2472716698, ClinGen allele CA2580068608.

ClinVar aggregate classification (germline): Pathogenic (1 of 4 stars; one submission).

Conditions:
Alkaptonuria (AKU). Also called: Alcaptonuria; HOMOGENTISIC ACID OXIDASE DEFICIENCY; Homogentisic acidura; Alkaptonuric ochronosis. Identifiers: Orphanet 56, MedGen C0002066, MONDO:0008753, OMIM 203500.

Submission:

Labcorp Genetics (formerly Invitae), Labcorp
Classification: Pathogenic for Alkaptonuria. Last evaluated: 2022-01-21. Review status: criteria provided, single submitter. Criteria: Invitae Variant Classification Sherloc (09022015). Collection method: clinical testing. Allele origin: germline.
Comment: For these reasons, this variant has been classified as Pathogenic. This variant has not been reported in the literature in individuals affected with HGD-related conditions. This variant is not present in population databases (gnomAD no frequency). This sequence change creates a premature translational stop signal (p.Lys126Asnfs*30) in the HGD gene. It is expected to result in an absent or disrupted protein product. Loss-of-function variants in HGD are known to be pathogenic (PMID: 12501223, 19862842).

Literature cited by the submitters: PubMed 12501223; PubMed 19862842.